The following is an entry in ClinVar:

NM_015045.5(WAPL):c.2191C>G (p.Arg731Gly)

Gene: WAPL (WAPL cohesin release factor; minus strand). Cytogenetic location: 10q23.2.
Variant type: single nucleotide variant.
Coding change: c.2191C>G on transcript NM_015045.5 (MANE Select); coding-DNA position 2191, C replaced by G.
Protein change: p.Arg731Gly; replaces arginine 731 with glycine.
Molecular consequence: missense variant.
Genome position (GRCh38, 1-based): chr10:86,467,458, G>C on the plus strand (C>G on the coding strand, the complement: WAPL is on the minus strand). VCF-style: chr10-86467458-G-C. GRCh37 (hg19) VCF-style: chr10-88227215-G-C.
Other names: c.2173C>G, p.Arg725Gly (NM_001318328.2); short protein forms R725G, R731G.
Identifiers: ClinVar variation 4891194 (VCV004891194.1).
Genomic context (GRCh38, chr10:86,467,458, plus strand): 5'-CCAGTTCCAAAAGTCGAATCATTAGATCTAAGCTAGCTCTATCAAGATCCATGTTCAAAC[G>C]ATCTCTACTCAGTATATACATGAGGGCAGCTGTACAGAGGGACAGATTCTTCAACAGGCC-3'
Protein context (NP_055860.1, residues 721-741): AALMYILSRD[Arg731Gly]LNMDLDRASL

ClinVar aggregate classification (germline): Uncertain significance (1 of 4 stars; one submission).

Submission:

Greenwood Genetic Center Diagnostic Laboratories, Greenwood Genetic Center
Classification: Uncertain significance. Last evaluated: 2026-04-01. Review status: criteria provided, single submitter. Criteria: ACMG Guidelines, 2015. Collection method: clinical testing. Allele origin: germline.
Comment: Gene of Uncertain Significance